The following is an entry in ClinVar:

NM_145290.4(ADGRA3):c.3862C>T (p.Gln1288Ter)

Gene: ADGRA3 (adhesion G protein-coupled receptor A3; minus strand). Cytogenetic location: 4p15.2.
Variant type: single nucleotide variant.
Coding change: c.3862C>T on transcript NM_145290.4 (MANE Select); coding-DNA position 3862, C replaced by T.
Protein change: p.Gln1288Ter; replaces glutamine 1288 with a stop codon.
Molecular consequence: nonsense.
Genome position (GRCh38, 1-based): chr4:22,387,809, G>A on the plus strand (C>T on the coding strand, the complement: ADGRA3 is on the minus strand). VCF-style: chr4-22387809-G-A. GRCh37 (hg19) VCF-style: chr4-22389432-G-A.
Other names: short protein forms Q1288*.
Identifiers: ClinVar variation 2089587 (VCV002089587.4), dbSNP rs2474685362, ClinGen allele CA356471522.
Genomic context (GRCh38, chr4:22,387,809, plus strand): 5'-CAGTGCTATCGGTACCGAGCAAGGGTCCCTCCTGCCCATTGCTTTTAATTGGTCCATTCT[G>A]AATGGCCAAGTTGAGGCCATAAGATTTTTGCTGATTTTCAAGTTCAACCACAGCTGGCTT-3'

ClinVar aggregate classification (germline): Uncertain significance (1 of 4 stars; one submission).

Submission:

Labcorp Genetics (formerly Invitae), Labcorp
Classification: Uncertain significance. Last evaluated: 2022-06-23. Review status: criteria provided, single submitter. Criteria: Invitae Variant Classification Sherloc (09022015). Collection method: clinical testing. Allele origin: germline.
Comment: In summary, the available evidence is currently insufficient to determine the role of this variant in disease. Therefore, it has been classified as a Variant of Uncertain Significance. Experimental studies and prediction algorithms are not available or were not evaluated, and the functional significance of this variant is currently unknown. This variant has not been reported in the literature in individuals affected with ADGRA3-related conditions. This variant is not present in population databases (gnomAD no frequency). This sequence change creates a premature translational stop signal (p.Gln1288*) in the ADGRA3 gene. While this is not anticipated to result in nonsense mediated decay, it is expected to disrupt the last 34 amino acid(s) of the ADGRA3 protein.